The following is an entry in ClinVar:

ClinVar aggregate classification (germline): Pathogenic/Likely pathogenic. Review status: criteria provided, multiple submitters, no conflicts (2 of 4 stars). 3 submissions from 3 submitters: Pathogenic (1); Likely pathogenic (2). Last evaluated 2024-08-30.

Conditions:
OPA1-related disorder. Also called: OPA1-related disorders; OPA1-related condition.
Autosomal dominant optic atrophy classic form (OPA1). Also called: KJER-TYPE OPTIC ATROPHY; Optic Atrophy Type 1; OPTIC ATROPHY, JUVENILE. Identifiers: Orphanet 98673, MedGen C0338508, MONDO:0008134, OMIM 165500.

Submissions (3):

Blueprint Genetics
Classification: Pathogenic for OPA1-related disorders. Last evaluated: 2024-08-30. Review status: criteria provided, single submitter. Criteria: ACMG Guidelines, 2015. Collection method: clinical testing. Allele origin: germline. Affected: yes. Observed: 3 variant alleles.

Laboratorio de Genetica e Diagnostico Molecular, Hospital Israelita Albert Einstein
Classification: Likely pathogenic for Autosomal dominant optic atrophy classic form. Last evaluated: 2022-01-15. Review status: criteria provided, single submitter. Criteria: ACMG Guidelines, 2015. Collection method: clinical testing. Allele origin: germline. Affected: yes.
Comment: ACMG classification criteria: PS3 supporting, PS4 moderate, PM2 moderate, PP1 supporting, PP3 supporting

CeGaT Center for Human Genetics Tuebingen
Classification: Likely pathogenic. Last evaluated: 2016-07-31. Review status: criteria provided, single submitter. Criteria: Praxis fuer Humangenetik Tuebingen - Variant Classification Criteria. Collection method: clinical testing. Allele origin: germline. Affected: yes. Observed: 1 variant allele.

NM_130837.3(OPA1):c.1230+5G>A

Gene: OPA1 (OPA1 mitochondrial dynamin like GTPase; plus strand). Cytogenetic location: 3q29.
Variant type: single nucleotide variant.
Coding change: c.1230+5G>A on transcript NM_130837.3 (MANE Select); 5 bases into the intron after coding-DNA position 1230, G replaced by A.
Molecular consequence: intron variant.
Genome position (GRCh38, 1-based): chr3:193,642,850, G>A. VCF-style: chr3-193642850-G-A. GRCh37 (hg19) VCF-style: chr3-193360639-G-A.
Other names: c.693+5G>A (NM_001354664.2); c.696+5G>A (NM_001354663.2); c.1119+5G>A (NM_130834.3); c.1176+5G>A (NM_130836.3); c.1065+5G>A (NM_015560.3); c.1122+5G>A (NM_130835.3); c.1011+5G>A (NM_130832.3); c.1068+5G>A (NM_130833.3); and 1 more.
Identifiers: ClinVar variation 374781 (VCV000374781.6), dbSNP rs1057519244, ClinGen allele CA16043894.
Genomic context (GRCh38, chr3:193,642,850, plus strand): 5'-ATGTGGCCCTATTTAAAGATAGTTCTCGGGAGTTTGATCTTACCAAAGAAGAAGATGTAA[G>A]TAAAATTCATCTAAGGTTGATATGTGTAATTTTATAACCTGGATGAGCTTATAAAAGACA-3'